The following is an entry in ClinVar:

NM_003560.4(PLA2G6):c.736T>C (p.Cys246Arg)

Gene: PLA2G6 (phospholipase A2 group VI; minus strand). Cytogenetic location: 22q13.1.
Variant type: single nucleotide variant.
Coding change: c.736T>C on transcript NM_003560.4 (MANE Select); coding-DNA position 736, T replaced by C.
Protein change: p.Cys246Arg; replaces cysteine 246 with arginine.
Molecular consequence: missense variant. On other transcripts: intron variant (1).
Genome position (GRCh38, 1-based): chr22:38,140,043, A>G on the plus strand (T>C on the coding strand, the complement: PLA2G6 is on the minus strand). VCF-style: chr22-38140043-A-G. GRCh37 (hg19) VCF-style: chr22-38536050-A-G.
Other names: c.736T>C, p.Cys246Arg (NM_001004426.3, NM_001199562.3, NM_001349864.2 and 2 more transcripts); c.202T>C, p.Cys68Arg (NM_001349867.2, NM_001349869.2); c.119+3062T>C (NM_001349868.2); short protein forms C246R, C68R.
Identifiers: ClinVar variation 3025148 (VCV003025148.22), dbSNP rs1449161379, ClinGen allele CA411531359.

ClinVar aggregate classification (germline): Uncertain significance (1 of 4 stars; one submission).

Allele frequency attached by ClinVar (database versions not stated): gnomAD exomes 0.00001.
gnomAD v4.1: 3 of 1,613,296 alleles (0.00019%); highest among the groups gnomAD compares: Non-Finnish European, 0.00025%; no homozygotes.

Submission:

CeGaT Center for Human Genetics Tuebingen
Classification: Uncertain significance. Last evaluated: 2024-01-01. Review status: criteria provided, single submitter. Criteria: CeGaT Center For Human Genetics Tuebingen Variant Classification Criteria Version 2. Collection method: clinical testing. Allele origin: germline. Affected: yes. Observed: 1 variant allele.
Comment: PLA2G6: PM2